The following is an entry in ClinVar:

ClinVar aggregate classification (germline): Uncertain significance. Review status: criteria provided, multiple submitters, no conflicts (2 of 4 stars). 4 submissions from 4 submitters: Uncertain significance (4). Last evaluated 2025-01-21.

Conditions:
Inborn genetic diseases. Identifiers: MedGen C0950123, MeSH D030342.
Autosomal recessive limb-girdle muscular dystrophy type 2X (LGMDR25). Also called: Muscular dystrophy, limb-girdle, type 2X. Identifiers: Orphanet 476084, MedGen C5568138, MONDO:0014782, OMIM 616812.

Allele frequency attached by ClinVar (database versions not stated): gnomAD 0.00026 and 0.00029; ExAC 0.00030; gnomAD exomes 0.00033 and 0.00054; TOPMed 0.00026; ESP Exome Variant Server 0.00046.
gnomAD v4.1: 834 of 1,614,040 alleles (0.052%); highest among the groups gnomAD compares: Non-Finnish European, 0.063%; 1 homozygote.

Submissions (4):

GeneDx
Classification: Uncertain significance. Last evaluated: 2025-01-21. Review status: criteria provided, single submitter. Criteria: GeneDx Variant Classification Process June 2021. Collection method: clinical testing. Allele origin: germline. Affected: yes.
Comment: In silico analysis indicates that this missense variant does not alter protein structure/function; Has not been previously published as pathogenic or benign to our knowledge

Revvity Omics, Revvity
Classification: Uncertain significance for Autosomal recessive limb-girdle muscular dystrophy type 2X. Last evaluated: 2024-05-22. Review status: criteria provided, single submitter. Criteria: ACMG Guidelines, 2015. Collection method: clinical testing. Allele origin: germline.

Department of Pathology and Laboratory Medicine, Sinai Health System
Classification: Uncertain significance for Autosomal recessive limb-girdle muscular dystrophy type 2X. Last evaluated: 2023-02-14. Review status: criteria provided, single submitter. Criteria: ACMG Guidelines, 2015. Collection method: research. Allele origin: germline.

Ambry Genetics
Classification: Uncertain significance for Inborn genetic diseases. Last evaluated: 2022-12-19. Review status: criteria provided, single submitter. Criteria: Ambry Variant Classification Scheme 2023. Collection method: clinical testing. Allele origin: germline.

NM_001199563.2(POPDC1):c.910G>A (p.Asp304Asn)

Gene: POPDC1 (popeye domain cAMP effector 1; minus strand). Cytogenetic location: 6q21.
Variant type: single nucleotide variant.
Coding change: c.910G>A on transcript NM_001199563.2 (MANE Select); coding-DNA position 910, G replaced by A.
Protein change: p.Asp304Asn; replaces aspartic acid 304 with asparagine.
Molecular consequence: missense variant.
Genome position (GRCh38, 1-based): chr6:105,115,734, C>T on the plus strand (G>A on the coding strand, the complement: POPDC1 is on the minus strand). VCF-style: chr6-105115734-C-T. GRCh37 (hg19) VCF-style: chr6-105563609-C-T.
Other names: c.910G>A (NM_001199563.1); c.910G>A, p.Asp304Asn (NM_007073.4, NM_147147.4); short protein forms D304N.
Identifiers: ClinVar variation 1203460 (VCV001203460.11), dbSNP rs147469762, ClinGen allele CA3940927.
Genomic context (GRCh38, chr6:105,115,734, plus strand): 5'-GGGATAACTTACGAAGAGAGGACATGCTGGAGGTACCCCGAAGAAACTGGTGCAAGCCGT[C>T]GTCACTGTCACTGGAGCTGGCTATACTGTTCCTCATTTCCAACATGGAGATCTGTGTGCA-3'
Protein context (NP_001186492.1, residues 294-314): NSIASSSDSD[Asp304Asn]GLHQFLRGTS